The following is an entry in ClinVar:

NM_024685.4(BBS10):c.542G>A (p.Arg181Lys)

Gene: BBS10 (Bardet-Biedl syndrome 10; minus strand). Cytogenetic location: 12q21.2.
Variant type: single nucleotide variant.
Coding change: c.542G>A on transcript NM_024685.4 (MANE Select); coding-DNA position 542, G replaced by A.
Protein change: p.Arg181Lys; replaces arginine 181 with lysine.
Molecular consequence: missense variant.
Genome position (GRCh38, 1-based): chr12:76,347,443, C>T on the plus strand (G>A on the coding strand, the complement: BBS10 is on the minus strand). VCF-style: chr12-76347443-C-T. GRCh37 (hg19) VCF-style: chr12-76741223-C-T.
Other names: short protein forms R181K.
Identifiers: ClinVar variation 4198529 (VCV004198529.2).

ClinVar aggregate classification (germline): Uncertain significance. Review status: criteria provided, multiple submitters, no conflicts (2 of 4 stars). 2 submissions from 2 submitters: Uncertain significance (2). Last evaluated 2026-02-06.

Conditions:
Inborn genetic diseases. Identifiers: MedGen C0950123, MeSH D030342.

Submissions (2):

GeneDx
Classification: Uncertain significance. Last evaluated: 2026-02-06. Review status: criteria provided, single submitter. Criteria: GeneDx Variant Classification Process June 2021. Collection method: clinical testing. Allele origin: germline.
Comment: In silico analysis suggests that this missense variant does not alter protein structure/function; Has not been previously published as pathogenic or benign to our knowledge

Ambry Genetics
Classification: Uncertain significance for Inborn genetic diseases. Last evaluated: 2025-08-30. Review status: criteria provided, single submitter. Criteria: Ambry Variant Classification Scheme 2023. Collection method: clinical testing. Allele origin: germline.